The following is an entry in ClinVar:

ClinVar aggregate classification (germline): Uncertain significance (0 of 4 stars; one submission).

Conditions:
DROSHA-related disorder. Also called: DROSHA-related condition.

Allele frequency attached by ClinVar (database versions not stated): gnomAD 0.00066; TOPMed 0.00066; ESP Exome Variant Server 0.00095.
gnomAD v4.1: 1,907 of 1,595,804 alleles (0.12%); highest among the groups gnomAD compares: Non-Finnish European, 0.16%; 1 homozygote.

Submission:

PreventionGenetics, part of Exact Sciences
Classification: Uncertain significance for DROSHA-related condition. Last evaluated: 2024-07-25. Review status: no assertion criteria provided. Collection method: clinical testing. Allele origin: germline.
Comment: The DROSHA c.835C>T variant is predicted to result in the amino acid substitution p.Arg279Cys. This variant was reported in an individual with Wilms tumor (Wegert et al. 2015. PubMed ID: 25670083). A different missense variant impacting the same amino acid (p.Arg279Leu) was reported in a patient with hereditary hemorrhagic telangiectasia (Hata et al. 2019. PubMed ID: 30855334); the p.Arg279Leu variant was functionally shown to confer reduced interaction with Smads and reduction of miRNA processing upon BMP4 treatment (Jiang et al. 2018. PubMed ID: 29339534). The p.Arg279Cys variant reported here is present in 0.10% of alleles in individuals of European (Non-Finnish) descent in gnomAD, which may be too common to be a primary cause of disease. This variant is reported in ClinVar as a variant of uncertain significance. Although we suspect this variant may be benign, at this time, the clinical significance of this variant is uncertain due to the absence of conclusive functional and genetic evidence.

NM_001382508.1(DROSHA):c.835C>T (p.Arg279Cys)

Gene: DROSHA (drosha ribonuclease III; minus strand). Cytogenetic location: 5p13.3.
Variant type: single nucleotide variant.
Coding change: c.835C>T on transcript NM_001382508.1 (MANE Select); coding-DNA position 835, C replaced by T.
Protein change: p.Arg279Cys; replaces arginine 279 with cysteine.
Molecular consequence: missense variant.
Genome position (GRCh38, 1-based): chr5:31,526,098, G>A on the plus strand (C>T on the coding strand, the complement: DROSHA is on the minus strand). VCF-style: chr5-31526098-G-A. GRCh37 (hg19) VCF-style: chr5-31526205-G-A.
Other names: c.835C>T, p.Arg279Cys (NM_001100412.2, NM_013235.5); short protein forms R279C.
Identifiers: ClinVar variation 2636854 (VCV002636854.2), dbSNP rs201276010, ClinGen allele CA3217862.